The following is an entry in ClinVar:

NM_022336.4(EDAR):c.287T>C (p.Phe96Ser)

Genes: EDAR (ectodysplasin A receptor; minus strand), RANBP2 (RAN binding protein 2; plus strand). Cytogenetic location: 2q13.
Variant type: single nucleotide variant.
Coding change: c.287T>C on transcript NM_022336.4 (MANE Select); coding-DNA position 287, T replaced by C.
Protein change: p.Phe96Ser; replaces phenylalanine 96 with serine.
Molecular consequence: missense variant.
Genome position (GRCh38, 1-based): chr2:108,929,267, A>G on the plus strand (T>C on the coding strand, the complement: EDAR is on the minus strand). VCF-style: chr2-108929267-A-G. GRCh37 (hg19) VCF-style: chr2-109545723-A-G.
Other names: short protein forms F96S.
Identifiers: ClinVar variation 972718 (VCV000972718.2), dbSNP rs1697319420, ClinGen allele CA348115678.

ClinVar aggregate classification (germline): Likely pathogenic (1 of 4 stars; one submission).

Conditions:
Ectodermal dysplasia 10A, hypohidrotic/hair/nail type, autosomal dominant (ECTD10A). Also called: Ectodermal Dysplasia 3, Anhidrotic. Identifiers: Orphanet 1810, Orphanet 238468, MedGen C3888065, MONDO:0007509, OMIM 129490.

Submission:

Biotechnology Lab, Dept of Biomolecular Sciences, University of Urbino
Classification: Likely pathogenic for Ectodermal dysplasia 10A, hypohidrotic/hair/nail type, autosomal dominant. Last evaluated: 2020-06-01. Review status: criteria provided, single submitter. Criteria: ACMG Guidelines, 2015. Collection method: clinical testing. Allele origin: germline. Inheritance: Autosomal dominant inheritance. Affected: yes. Observed: 1 heterozygote.
Comment: The Phe96Ser variant in EDAR has been reported in one Italian family with autosomal dominant hypohidrotic ectodermal dyspalsia, segregated with the disease affected relatives, and was absent from large population studies. Additionally, the variant occurred at the high conserved amino acidic residue phenylalanine that it changed to serine. In summary, the Phe96Ser variant meets our criteria to be classified as likely pathogenic based upon segregation data, absence in population databases, and functional domain evidence.

Literature cited by the submitters: PubMed 33205897.